The following continues an entry in ClinVar:

NM_007194.4(CHEK2):c.539G>A (p.Arg180His)

Gene: CHEK2. ClinVar aggregate classification (germline): Conflicting classifications of pathogenicity. Uncertain significance (17); Likely benign (1).

Submissions 9 to 21 of 21:

Ambry Genetics
Classification: Uncertain significance for Hereditary cancer-predisposing syndrome. Last evaluated: 2024-05-08. Review status: criteria provided, single submitter. Criteria: Ambry Variant Classification Scheme 2023. Collection method: clinical testing. Allele origin: germline.
Comment: The p.R180H variant (also known as c.539G>A), located in coding exon 3 of the CHEK2 gene, results from a G to A substitution at nucleotide position 539. The arginine at codon 180 is replaced by histidine, an amino acid with highly similar properties. This variant has been identified in individuals diagnosed with breast, prostate, and colorectal cancer (Sodha N et al. Br. J. Cancer. 2002 Dec;87:1445-8; Dong X et al. Am. J. Hum. Genet. 2003 Feb;72:270-80; Pearlman R et al. JAMA Oncol. 2017 Apr;3:464-471; Greville-Heygate SL et al. JCO Precis Oncol, 2020 May;4:). Functional analyses of the p.R180H allele have supported pathogenicity, with most studies demonstrating low or intermediate levels of functional impairment (Sodha N et al. Cancer Res. 2006 Sep;66:8966-70; Delimitsou A et al. Hum. Mutat., 2019 05;40:631-648; Kleiblova P et al. Int. J. Cancer, 2019 10;145:1782-1797; Desrichard A et al. Breast Cancer Res. 2011 Nov;13:R119). This amino acid position is well conserved in available vertebrate species. In addition, this alteration is predicted to be deleterious by in silico analysis. Based on the available evidence, the clinical significance of this variant remains unclear.

Baylor Genetics
Classification: Uncertain significance for Familial cancer of breast. Last evaluated: 2023-09-08. Review status: criteria provided, single submitter. Criteria: ACMG Guidelines, 2015. Collection method: clinical testing. Allele origin: unknown.

Institute for Biomarker Research, Medical Diagnostic Laboratories, L.L.C.
Classification: Uncertain significance for Hereditary cancer-predisposing syndrome. Last evaluated: 2023-03-21. Review status: criteria provided, single submitter. Criteria: ACMG Guidelines, 2015. Collection method: clinical testing. Allele origin: germline.

Myriad Genetics, Inc.
Classification: Uncertain significance for Familial cancer of breast. Last evaluated: 2023-03-09. Review status: criteria provided, single submitter. Criteria: Myriad Autosomal Dominant, Autosomal Recessive and X-Linked Classification Criteria (2023). Collection method: clinical testing. Allele origin: unknown.
Comment: This variant is classified as a variant of uncertain significance as there is insufficient evidence to determine its impact on protein function and/or cancer risk.

Institute of Human Genetics, University of Leipzig Medical Center
Classification: Uncertain significance for Familial cancer of breast. Last evaluated: 2022-12-14. Review status: criteria provided, single submitter. Criteria: ACMG Guidelines, 2015. Collection method: clinical testing. Allele origin: unknown. Affected: yes.
Comment: _x000D_ Criteria applied: PS3_MOD, PM2_SUP, PP3, BP5

Sema4
Classification: Uncertain significance for Hereditary cancer-predisposing syndrome. Last evaluated: 2021-11-10. Review status: criteria provided, single submitter. Criteria: Sema4 Curation Guidelines. Collection method: curation. Allele origin: germline.
Comment: The CHEK2 c.539G>A (p.R180H) variant has been reported in individuals with breast cancer, colorectal cancer, neuroblastoma, and prostate cancer, as well as unaffected controls (PMID: 33471991, 31050813, 12454775, 30086788, 12533788, 27978560, 23334666, 21244692). Functional studies have shown that this variant results in intermediate kinase activity in recombinant protein and reduced stability and expression in U2OS cells (PMID: 16982735, 22114986). However, normal levels of phosphorylation and proper oligomerization in response to DNA damage were also observed (PMID: 16982735). It was observed in 8/35436 chromosomes of the Latino subpopulation in the large and broad cohorts of the Genome Aggregation Database (PMID: 32461654). This variant has been reported in ClinVar (Variation ID: 5596). The evidence is insufficient to meet ACMG/AMP criteria for classifying the variant as benign or pathogenic. Thus, the clinical significance of this variant is currently uncertain.

Mendelics
Classification: Uncertain significance for Familial cancer of breast. Last evaluated: 2019-05-28. Review status: criteria provided, single submitter. Criteria: Mendelics Assertion Criteria 2017. Collection method: clinical testing. Allele origin: unknown.

Division of Medical Genetics, University of Washington
Classification: Uncertain significance for Familial cancer of breast. Last evaluated: 2019-04-02. Review status: criteria provided, single submitter. Criteria: ACMG Guidelines, 2015. Collection method: clinical testing. Allele origin: germline. Affected: no. Study: CSER_CHARM.
Comment: The c.539G>A variant has been reported in individuals affected with breast cancer, colon cancer, prostate cancer and neuroblastoma (Sodha 2002, Dong 2003, Pugh 2013, Pearlman 2016). The c.539G>A variant has an overall allele frequency of 0.00006 in the Broad Institute ExAC Browser, and is more common in African American populations (Lek 2016). In silico analyses indicate this is an evolutionarily conserved residue. Thus, it is unknown at this time whether this variant increases cancer risk.

GeneKor MSA
Classification: Uncertain significance for Hereditary cancer-predisposing syndrome. Last evaluated: 2018-08-01. Review status: criteria provided, single submitter. Criteria: ACMG Guidelines, 2015. Collection method: clinical testing. Allele origin: germline. Affected: yes.

Color Diagnostics, LLC DBA Color Health
Classification: Likely benign for Hereditary cancer-predisposing syndrome. Last evaluated: 2015-04-23. Review status: criteria provided, single submitter. Criteria: ACMG Guidelines, 2015. Collection method: clinical testing. Allele origin: germline.

Counsyl
Classification: Uncertain significance for Familial cancer of breast. Last evaluated: 2016-10-27. Review status: no assertion criteria provided. Collection method: clinical testing. Allele origin: unknown. Not counted in ClinVar's aggregate classification.

OMIM
Classification: Uncertain significance for RECLASSIFIED - VARIANT OF UNKNOWN SIGNIFICANCE. Last evaluated: 2003-02-01. Review status: no assertion criteria provided. Collection method: literature only. Allele origin: germline. Not counted in ClinVar's aggregate classification.

Department of Pathology and Laboratory Medicine, Sinai Health System
Classification: Uncertain significance for Malignant tumor of breast. Review status: no assertion criteria provided. Collection method: clinical testing. Allele origin: unknown. Affected: yes. Study: The Canadian Open Genetics Repository (COGR). Not counted in ClinVar's aggregate classification.
Comment: The CHEK2 p.Arg180His variant was identified in 6 of 1998 proband chromosomes (frequency: 0.003) from individuals or families with breast, prostate, neuroblastoma and colorectal cancer and was present in 1 of 846 control chromosomes (frequency: 0.002) from healthy individuals (Sodha 2002, Dong 2003, Pearlman 2017, Pugh 2013, Penkert 2018). The variant was identified in dbSNP (rs137853009) as â€šÃ„Ãºwith pathogenic, uncertain significance alleleâ€šÃ„Ã¹, ClinVar (classified as "uncertain significance by Invitae and 5 others, "pathogenic" by OMIM and "likely benign" by Color). The variant was identified in control databases in 18 of 277,176 chromosomes at a frequency of 0.00007 (Genome Aggregation Database Feb 27, 2017). The variant was observed in the following populations: African in 2 of 24,028 chromosomes (freq: 0.00008), Latino in 9 of 34,420 chromosomes (freq: 0.0002), European in 7 of 126,672 chromosomes (freq: 0.00006); it was not observed in the Other, Ashkenazi Jewish, East Asian, Finnish, and South Asian populations. In response to DNA damage, cells expressing the p.Arg180His variant resembled wild type by demonstrating normal levels of phosphorylation and proper oligomerization (Sodha 2006). In another study, a recombinant protein expressing the variant reduced kinase activity, but did not completely abolish the proteinâ€šÃ„Ã´s function (Desrichard 2011). Additionally, the p.Arg180His variant co-occurred with pathogenic variants in both the same gene (CHEK2 c.1100delC) and the ATM gene (p.Glu1978X) in breast cancer patients (Sodha 2002, Penkert 2018). The p.Arg180 residue is conserved in mammals but not in more distantly related organisms however four out of five computational analyses (PolyPhen-2, SIFT, AlignGVGD, BLOSUM, MutationTaster) do not suggest a high likelihood of impact to the protein; this information is not predictive enough to rule out pathogenicity. The variant occurs outside of the splicing consensus sequence and in silico or computational prediction software programs (SpliceSiteFinder, MaxEntScan, NNSPLICE, GeneSplicer) do not predict a difference in splicing. In summary, based on the above information the clinical significance of this variant cannot be determined with certainty at this time. This variant is classified as a variant of uncertain significance.

Literature cited by the submitters: PubMed 12533788 (cited by 6 submitters); PubMed 16982735 (cited by 6 submitters); PubMed 30851065 (cited by 4 submitters); PubMed 31050813 (cited by 4 submitters); PubMed 31159747 (cited by 3 submitters); PubMed 32923877 (cited by 3 submitters); PubMed 37449874 (cited by Mayo Clinic Laboratories, Mayo Clinic); PubMed 21244692 (cited by Women's Health and Genetics/Laboratory Corporation of America, LabCorp and Sema4); PubMed 26787654 (cited by Women's Health and Genetics/Laboratory Corporation of America, LabCorp); PubMed 12454775 (cited by 3 submitters); PubMed 22114986 (cited by 5 submitters); PubMed 27978560 (cited by 3 submitters); PubMed 30086788 (cited by 3 submitters); PubMed 15818573 (cited by 3 submitters); PubMed 35980532 (cited by Women's Health and Genetics/Laboratory Corporation of America, LabCorp); PubMed 23334666 (cited by 3 submitters); PubMed 15239132 (cited by Ambry Genetics); PubMed 25629968 (cited by Ambry Genetics); PubMed 33471991 (cited by Sema4).